The following is an entry in ClinVar:

ClinVar aggregate classification (germline): Uncertain significance (1 of 4 stars; one submission).

Conditions:
Early-infantile DEE. Also called: Early infantile epileptic encephalopathy with suppression bursts; Early infantile epileptic encephalopathy; Ohtahara syndrome. Identifiers: Orphanet 1934, MedGen C0393706, MONDO:0800491.

Submission:

Labcorp Genetics (formerly Invitae), Labcorp
Classification: Uncertain significance for Early-infantile DEE. Last evaluated: 2022-09-09. Review status: criteria provided, single submitter. Criteria: Invitae Variant Classification Sherloc (09022015). Collection method: clinical testing. Allele origin: germline.
Comment: In summary, the available evidence is currently insufficient to determine the role of this variant in disease. Therefore, it has been classified as a Variant of Uncertain Significance. Advanced modeling of protein sequence and biophysical properties (such as structural, functional, and spatial information, amino acid conservation, physicochemical variation, residue mobility, and thermodynamic stability) performed at Invitae indicates that this missense variant is expected to disrupt SCN1A protein function. This variant has not been reported in the literature in individuals affected with SCN1A-related conditions. This variant is not present in population databases (gnomAD no frequency). This sequence change replaces glutamic acid, which is acidic and polar, with glycine, which is neutral and non-polar, at codon 728 of the SCN1A protein (p.Glu728Gly).

NM_001165963.4(SCN1A):c.2183A>G (p.Glu728Gly)

Gene: SCN1A (sodium voltage-gated channel alpha subunit 1; minus strand). Cytogenetic location: 2q24.3.
Variant type: single nucleotide variant.
Coding change: c.2183A>G on transcript NM_001165963.4 (MANE Select); coding-DNA position 2183, A replaced by G.
Protein change: p.Glu728Gly; replaces glutamic acid 728 with glycine.
Molecular consequence: missense variant. On other transcripts: 5 prime UTR variant (1), non-coding transcript variant (1).
Genome position (GRCh38, 1-based): chr2:166,041,463, T>C on the plus strand (A>G on the coding strand, the complement: SCN1A is on the minus strand). VCF-style: chr2-166041463-T-C. GRCh37 (hg19) VCF-style: chr2-166897973-T-C.
Other names: c.2099A>G, p.Glu700Gly (NM_001165964.3, NM_001353957.2, NM_001353958.2); c.2183A>G, p.Glu728Gly (NM_001202435.3, NM_001353948.2); c.2150A>G, p.Glu717Gly (NM_001353949.2, NM_001353950.2, NM_001353951.2 and 2 more transcripts); c.2147A>G, p.Glu716Gly (NM_001353954.2, NM_001353955.2); c.2096A>G, p.Glu699Gly (NM_001353960.2); c.-276A>G (NM_001353961.2); short protein forms E700G, E728G, E716G, E717G, E699G.
Identifiers: ClinVar variation 2183628 (VCV002183628.4), dbSNP rs2468133106, ClinGen allele CA349065347.
Genomic context (GRCh38, chr2:166,041,463, plus strand): 5'-CAGATTAAGAATATGTTGGAAAATTTATACCAACAGGGTGGGCATTTCTGCCTGGATTCT[T>C]CAAGTTCTAGATTAAGAAAAAAAAAAAAAAGAACCACCAAAAGGTATACTTTATACACAC-3'
Protein context (NP_001159435.1, residues 718-738): SILTNTVEEL[Glu728Gly]ESRQKCPPCW